The following is an entry in ClinVar:

ClinVar aggregate classification (germline): Likely benign (1 of 4 stars; one submission).

Submission:

CeGaT Center for Human Genetics Tuebingen
Classification: Likely benign. Last evaluated: 2022-03-01. Review status: criteria provided, single submitter. Criteria: CeGaT Center For Human Genetics Tuebingen Variant Classification Criteria Version 2. Collection method: clinical testing. Allele origin: germline. Affected: yes. Observed: 1 variant allele.
Comment: RYR1: BP4, BP7

NM_000540.3(RYR1):c.10623C>T (p.Ala3541=)

Gene: RYR1 (ryanodine receptor 1; plus strand). Cytogenetic location: 19q13.2.
Variant type: single nucleotide variant.
Coding change: c.10623C>T on transcript NM_000540.3 (MANE Select); coding-DNA position 10623, C replaced by T.
Protein change: p.Ala3541=; no amino-acid change (alanine 3541 retained).
Molecular consequence: synonymous variant.
Genome position (GRCh38, 1-based): chr19:38,525,499, C>T. VCF-style: chr19-38525499-C-T. GRCh37 (hg19) VCF-style: chr19-39016139-C-T.
Other names: c.10608C>T, p.Ala3536= (NM_001042723.2).
Identifiers: ClinVar variation 2649809 (VCV002649809.24), dbSNP rs2514478033, ClinGen allele CA507236605.